The following is an entry in ClinVar:

ClinVar aggregate classification (germline): Uncertain significance (1 of 4 stars; one submission).

Submission:

CeGaT Center for Human Genetics Tuebingen
Classification: Uncertain significance. Last evaluated: 2023-01-01. Review status: criteria provided, single submitter. Criteria: CeGaT Center For Human Genetics Tuebingen Variant Classification Criteria Version 2. Collection method: clinical testing. Allele origin: germline. Affected: yes. Observed: 1 variant allele.
Comment: KRT15: PM2, BP4

NM_002275.4(KRT15):c.125G>A (p.Arg42Gln)

Gene: KRT15 (keratin 15; minus strand). Cytogenetic location: 17q21.2.
Variant type: single nucleotide variant.
Coding change: c.125G>A on transcript NM_002275.4 (MANE Select); coding-DNA position 125, G replaced by A.
Protein change: p.Arg42Gln; replaces arginine 42 with glutamine.
Molecular consequence: missense variant.
Genome position (GRCh38, 1-based): chr17:41,518,703, C>T on the plus strand (G>A on the coding strand, the complement: KRT15 is on the minus strand). VCF-style: chr17-41518703-C-T. GRCh37 (hg19) VCF-style: chr17-39674955-C-T.
Other names: short protein forms R42Q.
Identifiers: ClinVar variation 2647771 (VCV002647771.24), dbSNP rs777893382, ClinGen allele CA8561377.